The following is an entry in ClinVar:

ClinVar aggregate classification (germline): Pathogenic (1 of 4 stars; one submission).

Conditions:
Kabuki syndrome. Also called: Kabuki make-up syndrome; NIIKAWA-KUROKI SYNDROME. Identifiers: Orphanet 2322, MedGen C0796004, MONDO:0016512.

Submission:

Labcorp Genetics (formerly Invitae), Labcorp
Classification: Pathogenic for Kabuki syndrome. Last evaluated: 2022-12-22. Review status: criteria provided, single submitter. Criteria: Invitae Variant Classification Sherloc (09022015). Collection method: clinical testing. Allele origin: germline.
Comment: This sequence change creates a premature translational stop signal (p.Gln4335Profs*48) in the KMT2D gene. It is expected to result in an absent or disrupted protein product. Loss-of-function variants in KMT2D are known to be pathogenic (PMID: 22126750). For these reasons, this variant has been classified as Pathogenic. This variant has not been reported in the literature in individuals affected with KMT2D-related conditions. This variant is not present in population databases (gnomAD no frequency).

Literature cited by the submitters: PubMed 22126750.

NM_003482.4(KMT2D):c.13004_13007del (p.Gln4335fs)

Gene: KMT2D (lysine methyltransferase 2D; minus strand). Cytogenetic location: 12q13.12.
Variant type: Deletion.
Coding change: c.13004_13007del on transcript NM_003482.4 (MANE Select); coding-DNA positions 13004 to 13007, 4 bases deleted (AGCT; older notation c.13004_13007delAGCT).
Protein change: p.Gln4335fs; shifts the reading frame from glutamine 4335.
Molecular consequence: frameshift variant.
Genome position (GRCh38, 1-based): chr12:49,031,698-49,031,701, AGCT deleted on the plus strand (AGCT on the coding strand, the reverse complement: KMT2D is on the minus strand). VCF-style (leftmost placement, unchanged base first): chr12-49031697-GAGCT-G. GRCh37 (hg19) VCF-style: chr12-49425480-GAGCT-G.
Other names: short protein forms Q4335fs.
Identifiers: ClinVar variation 2822639 (VCV002822639.3), dbSNP rs2498352982, ClinGen allele CA2739271973.
Genomic context (GRCh38, chr12:49,031,697, plus strand): 5'-CCCAGGAGGCGGCTCCAAGGTTGGCCCCTGAGGTTTGGGGGTCCCTGGATGGGTGGGAGG[GAGCT>G]GGGCCTCAGTGGGAAGCTGGGAGCTGGGGGAAGGTAATTGTGAAGGTCTCTTTGGCTCTT-3'